The following is an entry in ClinVar:

ClinVar aggregate classification (germline): Uncertain significance (1 of 4 stars; one submission).

Conditions:
Glycine encephalopathy. Also called: Nonketotic hyperglycinemia; Non-ketotic hyperglycinemia. Identifiers: Orphanet 407, MedGen C0751748, MONDO:0011612, HP:0008288.

Allele frequency attached by ClinVar (database versions not stated): TOPMed below 0.00001.

Submission:

Labcorp Genetics (formerly Invitae), Labcorp
Classification: Uncertain significance for Glycine encephalopathy. Last evaluated: 2019-03-19. Review status: criteria provided, single submitter. Criteria: Invitae Variant Classification Sherloc (09022015). Collection method: clinical testing. Allele origin: germline.
Comment: In summary, the available evidence is currently insufficient to determine the role of this variant in disease. Therefore, it has been classified as a Variant of Uncertain Significance. Algorithms developed to predict the effect of missense changes on protein structure and function (SIFT, PolyPhen-2, Align-GVGD) all suggest that this variant is likely to be tolerated, but these predictions have not been confirmed by published functional studies and their clinical significance is uncertain. This variant has not been reported in the literature in individuals with GCSH-related conditions. The frequency data for this variant in the population databases is considered unreliable, as metrics indicate insufficient coverage at this position in the ExAC database. This sequence change replaces arginine with glutamine at codon 7 of the GCSH protein (p.Arg7Gln). The arginine residue is weakly conserved and there is a small physicochemical difference between arginine and glutamine.

NM_004483.5(GCSH):c.20G>A (p.Arg7Gln)

Genes: GCSH (glycine cleavage system protein H; minus strand), LOC130059495 (ATAC-STARR-seq lymphoblastoid silent region 7751; plus strand). Cytogenetic location: 16q23.2.
Variant type: single nucleotide variant.
Coding change: c.20G>A on transcript NM_004483.5 (MANE Select); coding-DNA position 20, G replaced by A.
Protein change: p.Arg7Gln; replaces arginine 7 with glutamine.
Molecular consequence: missense variant. On other transcripts: non-coding transcript variant (1).
Genome position (GRCh38, 1-based): chr16:81,096,259, C>T on the plus strand (G>A on the coding strand, the complement: GCSH is on the minus strand). VCF-style: chr16-81096259-C-T. GRCh37 (hg19) VCF-style: chr16-81129864-C-T.
Other names: short protein forms R7Q.
Identifiers: ClinVar variation 854548 (VCV000854548.10), dbSNP rs1373562429, ClinGen allele CA396889554.